The following is an entry in ClinVar:

ClinVar aggregate classification (germline): Uncertain significance. Review status: criteria provided, multiple submitters, no conflicts (2 of 4 stars). 2 submissions from 2 submitters: Uncertain significance (2). Last evaluated 2025-09-25.

Conditions:
Hereditary cancer-predisposing syndrome. Also called: Hereditary Cancer Syndrome; Hereditary neoplastic syndrome; Neoplastic Syndromes, Hereditary; Tumor predisposition. Identifiers: Orphanet 140162, MedGen C0027672, MeSH D009386, MONDO:0015356.

Submissions (2):

Ambry Genetics
Classification: Uncertain significance for Hereditary cancer-predisposing syndrome. Last evaluated: 2025-09-25. Review status: criteria provided, single submitter. Criteria: Ambry Variant Classification Scheme 2023. Collection method: clinical testing. Allele origin: germline.
Comment: The p.G315A variant (also known as c.944G>C), located in coding exon 7 of the BRIP1 gene, results from a G to C substitution at nucleotide position 944. The glycine at codon 315 is replaced by alanine, an amino acid with similar properties. This amino acid position is well conserved in available vertebrate species. In addition, the in silico prediction for this alteration is inconclusive. Since supporting evidence is limited at this time, the clinical significance of this alteration remains unclear.

Sema4
Classification: Uncertain significance for Hereditary cancer-predisposing syndrome. Last evaluated: 2021-08-26. Review status: criteria provided, single submitter. Criteria: Sema4 Curation Guidelines. Collection method: curation. Allele origin: germline.
Comment: The BRIP1 c.944G>C (p.G315A) variant has not been reported in the literature to our knowledge. It was not observed in the large and broad cohorts of the Genome Aggregation Database (PMID: 32461654). The variant has not been reported in ClinVar. Functional studies have not been performed, and in silico predictions of the variant's effect on protein function are inconclusive. The evidence is insufficient to meet ACMG/AMP criteria for classifying the variant as benign or pathogenic. Thus, the clinical significance of this variant is currently uncertain.

NM_032043.3(BRIP1):c.944G>C (p.Gly315Ala)

Gene: BRIP1 (BRCA1 interacting DNA helicase 1; minus strand). Cytogenetic location: 17q23.2.
Variant type: single nucleotide variant.
Coding change: c.944G>C on transcript NM_032043.3 (MANE Select); coding-DNA position 944, G replaced by C.
Protein change: p.Gly315Ala; replaces glycine 315 with alanine.
Molecular consequence: missense variant.
Genome position (GRCh38, 1-based): chr17:61,801,449, C>G on the plus strand (G>C on the coding strand, the complement: BRIP1 is on the minus strand). VCF-style: chr17-61801449-C-G. GRCh37 (hg19) VCF-style: chr17-59878810-C-G.
Other names: short protein forms G315A.
Identifiers: ClinVar variation 1691991 (VCV001691991.4), dbSNP rs867548960, ClinGen allele CA400484271.